The following is an entry in ClinVar:

NM_000143.4(FH):c.3G>C (p.Met1Ile)

Gene: FH (fumarate hydratase; minus strand). Cytogenetic location: 1q43.
Variant type: single nucleotide variant.
Coding change: c.3G>C on transcript NM_000143.4 (MANE Select); coding-DNA position 3, G replaced by C.
Protein change: p.Met1Ile; changes the start codon (methionine 1).
Molecular consequence: missense variant, initiator codon variant.
Genome position (GRCh38, 1-based): chr1:241,519,720, C>G on the plus strand (G>C on the coding strand, the complement: FH is on the minus strand). VCF-style: chr1-241519720-C-G. GRCh37 (hg19) VCF-style: chr1-241683020-C-G.
Other names: c.3G>C (NM_000143.3); short protein forms M1I.
Identifiers: ClinVar variation 1502868 (VCV001502868.11), dbSNP rs564147469, ClinGen allele CA345443120.

ClinVar aggregate classification (germline): Conflicting classifications of pathogenicity. Review status: criteria provided, conflicting classifications (1 of 4 stars). 2 submissions from 2 submitters: Likely pathogenic (1); Uncertain significance (1). Last evaluated 2026-04-11.

Conditions:
Hereditary cancer-predisposing syndrome. Also called: Tumor predisposition; Neoplastic Syndromes, Hereditary; Hereditary Cancer Syndrome; Hereditary neoplastic syndrome. Identifiers: Orphanet 140162, MedGen C0027672, MeSH D009386, MONDO:0015356.

Submissions (2):

Ambry Genetics
Classification: Uncertain significance for Hereditary cancer-predisposing syndrome. Last evaluated: 2026-04-11. Review status: criteria provided, single submitter. Criteria: Ambry Variant Classification Scheme 2023. Collection method: clinical testing. Allele origin: germline.
Comment: The p.M1? variant (also known as c.3G>C), located in coding exon 1 of the FH gene, results from a G to C substitution at nucleotide position 3. This alters the methionine residue at the initiation codon. Variations that modify the initiation codon (ATG) are expected to result in either loss of translation initiation, N-terminal truncation, or cause a shift in the mRNA reading frame; however, there is an alternate in-frame methionine 44 amino acids from the initiation site. Proteins initiated from the first methionine are targeted to the mitochondrion while proteins initiated from the second methionine are targeted to the cytoplasm due to the lack of the mitochondrial targeting sequence encoded between them (Dik E et al. Traffic, 2016 Jul;17:720-32, Magrane M et al., Database (Oxford) 2011; bar009). Data suggests that it is the cytoplasmic protein that conveys the tumor suppressor function of FH (Yogev O et al. PLoS Biol., 2010 Mar;8:e1000328). This alteration and others that are expected to adversely affect the protein before the second methionine, have been observed in numerous individuals who do not have a personal or family history that is consistent with or suggestive of HLRCC (Ambry internal data). The clinical impact of this variant in terms of fumarase deficiency is also unclear due to the lack of this variant being associated with this autosomal recessive disease in the literature and internally. Based on the available evidence, the clinical significance of this variant remains unclear.

Labcorp Genetics (formerly Invitae), Labcorp
Classification: Likely pathogenic. Last evaluated: 2025-01-15. Review status: criteria provided, single submitter. Criteria: Invitae Variant Classification Sherloc (09022015). Collection method: clinical testing. Allele origin: germline.
Comment: This sequence change affects the initiator methionine of the FH mRNA. The next in-frame methionine is located at codon 44. FH has two initiator codons, p.Met1 and p.Met44, which result in two different functional isoforms that localize to the mitochondria and cytosol, respectively (PMID: 21929734, 27037871). Loss-of-function variants in FH are known to be pathogenic (PMID: 11865300, 21398687). Variants affecting the mitochondrial isoform confer risk for fumarate hydratase deficiency, while variants that affect the cytosolic isoform confer risk for FH tumor predisposition syndrome. This variant is not present in population databases (gnomAD no frequency). This variant has not been reported in the literature in individuals affected with FH-related conditions. ClinVar contains an entry for this variant (Variation ID: 1502868). This variant disrupts the mitochondria-targeting sequence (MTS) of the FH protein, which is important for protein import into the mitochondria (PMID: 27037871). This suggests that disruption of this region is causative of fumarate hydratase deficiency. In summary, the currently available evidence indicates that the variant is pathogenic, but additional data are needed to prove that conclusively. Therefore, this variant has been classified as Likely Pathogenic for autosomal recessive fumarate hydratase deficiency. However, this variant is not likely to confer risk for autosomal dominant FH tumor predisposition syndrome.

Literature cited by the submitters: PubMed 21929734 (cited by Labcorp Genetics (formerly Invitae), Labcorp); PubMed 27037871 (cited by Labcorp Genetics (formerly Invitae), Labcorp); PubMed 11865300 (cited by Labcorp Genetics (formerly Invitae), Labcorp); PubMed 21398687 (cited by Labcorp Genetics (formerly Invitae), Labcorp).